The following is an entry in ClinVar:

ClinVar aggregate classification (germline): Pathogenic (1 of 4 stars; one submission).

Conditions:
Osteogenesis imperfecta type I (OI1). Also called: OI, TYPE I; OSTEOGENESIS IMPERFECTA TARDA; OSTEOGENESIS IMPERFECTA WITH BLUE SCLERAE; Osteogenesis imperfecta type 1; Lobstein's Disease; Lobstein disease. Identifiers: Orphanet 216796, Orphanet 666, MedGen C0023931, MONDO:0008146, OMIM 166200. Disease mechanism: loss of function.

Submission:

Labcorp Genetics (formerly Invitae), Labcorp
Classification: Pathogenic for Osteogenesis imperfecta type I. Last evaluated: 2017-03-23. Review status: criteria provided, single submitter. Criteria: Invitae Variant Classification Sherloc (09022015). Collection method: clinical testing. Allele origin: germline.
Comment: This variant is a gross duplication of the genomic region encompassing exons 2-23 and the first 37 nucleotides of exon 24 of the COL1A1 gene. The duplicated copy of this region is in tandem, and causes a frameshift at codon 551. This creates a premature translational stop signal and is expected to result in an absent or disrupted protein product. While this particular duplication has not been reported in the literature, loss-of-function variants in COL1A1 are known to be pathogenic (PMID: 9443882, 9295084, 7942841). For these reasons, this variant has been classified as Pathogenic.

Literature cited by the submitters: PubMed 9443882; PubMed 9295084; PubMed 7942841.

NC_000017.10:g.(?_48271508)_(48278605_?)dup

Genes: COL1A1 (collagen type I alpha 1 chain; minus strand), LOC126862586 (CDK7 strongly-dependent group 2 enhancer GRCh37_chr17:48273702-48274901; plus strand), LOC130061152 (ATAC-STARR-seq lymphoblastoid silent region 8689; plus strand), LOC130061153 (ATAC-STARR-seq lymphoblastoid silent region 8690; plus strand), LOC130061154 (ATAC-STARR-seq lymphoblastoid silent region 8691; plus strand). Cytogenetic location: 17q21.33.
Variant type: Duplication.
Identifiers: ClinVar variation 456722 (VCV000456722.3).